The following is an entry in ClinVar:

ClinVar aggregate classification (germline): Benign (1 of 4 stars; one submission).

Conditions:
Adult-onset autosomal dominant demyelinating leukodystrophy. Identifiers: Orphanet 99027, MedGen C1868512, MONDO:0008215.

Allele frequency attached by ClinVar (database versions not stated): TOPMed 0.40306; gnomAD 0.42884; 1000 Genomes Project 30x 0.44238; 1000 Genomes Project 0.44788.
gnomAD v4.1: 166,268 of 373,606 alleles (45%); highest among the groups gnomAD compares: East Asian, 58%; 38,250 homozygotes.

Submission:

Illumina Laboratory Services, Illumina
Classification: Benign for Leukodystrophy, demyelinating, adult-onset, autosomal dominant, typical. Last evaluated: 2018-01-13. Review status: criteria provided, single submitter. Criteria: ICSL Variant Classification Criteria 13 December 2019. Collection method: clinical testing. Allele origin: germline.
Comment: This variant was observed in the ICSL laboratory as part of a predisposition screen in an ostensibly healthy population. It had not been previously curated by ICSL or reported in the Human Gene Mutation Database (HGMD: prior to June 1st, 2018), and was therefore a candidate for classification through an automated scoring system. Utilizing variant allele frequency, disease prevalence and penetrance estimates, and inheritance mode, an automated score was calculated to assess if this variant is too frequent to cause the disease. Based on the score and internal cut-off values, a variant classified as benign is not then subjected to further curation. The score for this variant resulted in a classification of benign for this disease.

NM_005573.4(LMNB1):c.*239C>T

Gene: LMNB1 (lamin B1; plus strand). Cytogenetic location: 5q23.2.
Variant type: single nucleotide variant.
Coding change: c.*239C>T on transcript NM_005573.4 (MANE Select); 239 bases downstream of the stop codon, C replaced by T.
Molecular consequence: 3 prime UTR variant. On other transcripts: non-coding transcript variant (1).
Genome position (GRCh38, 1-based): chr5:126,836,503, C>T. VCF-style: chr5-126836503-C-T. GRCh37 (hg19) VCF-style: chr5-126172195-C-T.
Other names: c.*239C>T (NM_001198557.2).
Identifiers: ClinVar variation 350623 (VCV000350623.5), dbSNP rs1051644, ClinGen allele CA10622470.